The following is an entry in ClinVar:

ClinVar aggregate classification (germline): Uncertain significance (1 of 4 stars; one submission).

Conditions:
Surfactant metabolism dysfunction, pulmonary, 4 (SMDP4). Also called: PAP DUE TO CSF2RA DEFICIENCY; PULMONARY ALVEOLAR PROTEINOSIS, CONGENITAL, 4; CSF2RA DEFICIENCY. Identifiers: Orphanet 264675, MedGen C2677877, MONDO:0010424, OMIM 300770.

Allele frequency attached by ClinVar (database versions not stated): gnomAD exomes 0.00001 and 0.00002; ExAC 0.00002.
gnomAD v4.1: 28 of 1,613,600 alleles (0.0017%); highest among the groups gnomAD compares: Admixed American, 0.0033%; no homozygotes.

Submission:

Labcorp Genetics (formerly Invitae), Labcorp
Classification: Uncertain significance for Surfactant metabolism dysfunction, pulmonary, 4. Last evaluated: 2022-09-06. Review status: criteria provided, single submitter. Criteria: Invitae Variant Classification Sherloc (09022015). Collection method: clinical testing. Allele origin: germline.
Comment: This sequence change replaces serine, which is neutral and polar, with arginine, which is basic and polar, at codon 48 of the CSF2RA protein (p.Ser48Arg). This variant is present in population databases (no rsID available, gnomAD 0.003%). This variant has not been reported in the literature in individuals affected with CSF2RA-related conditions. ClinVar contains an entry for this variant (Variation ID: 958246). Algorithms developed to predict the effect of missense changes on protein structure and function are either unavailable or do not agree on the potential impact of this missense change (SIFT: "Deleterious"; PolyPhen-2: "Not Available"; Align-GVGD: "Class C0"). Algorithms developed to predict the effect of sequence changes on RNA splicing suggest that this variant may create or strengthen a splice site. In summary, the available evidence is currently insufficient to determine the role of this variant in disease. Therefore, it has been classified as a Variant of Uncertain Significance.

NM_172245.4(CSF2RA):c.144C>G (p.Ser48Arg)

Gene: CSF2RA (colony stimulating factor 2 receptor subunit alpha; plus strand). Cytogenetic location: Xp22.33.
Variant type: single nucleotide variant.
Coding change: c.144C>G on transcript NM_172245.4 (MANE Select); coding-DNA position 144, C replaced by G.
Protein change: p.Ser48Arg; replaces serine 48 with arginine.
Molecular consequence: missense variant. On other transcripts: non-coding transcript variant (1), intron variant (1).
Genome position (GRCh38, 1-based): chrX:1,285,845, C>G. VCF-style: chrX-1285845-C-G. GRCh37 (hg19) VCF-style: chrX-1404738-C-G.
Other names: c.144C>G, p.Ser48Arg (NM_001161529.2, NM_001161530.2, NM_001161531.2 and 20 more transcripts); c.-180-2674C>G (NM_001161532.2); short protein forms S48R.
Identifiers: ClinVar variation 958246 (VCV000958246.7), dbSNP rs762604364, ClinGen allele CA10330681.
Genomic context (GRCh38, chrX:1,285,845, plus strand): 5'-AACAGTGGCACCAGCCTCTAGTCTCAATGTGAGGTTTGACTCCAGGACGATGAATTTAAG[C>G]TGGGACTGCCAAGAAAACACAACCTTCAGCAAGTGTTTCTTAACTGACAAGAAGAACAGA-3'
Protein context (NP_758448.1, residues 38-58): VRFDSRTMNL[Ser48Arg]WDCQENTTFS